The following is an entry in ClinVar:

ClinVar aggregate classification (germline): Pathogenic (1 of 4 stars; one submission).

Submission:

Labcorp Genetics (formerly Invitae), Labcorp
Classification: Pathogenic. Last evaluated: 2025-05-24. Review status: criteria provided, single submitter. Criteria: Invitae Variant Classification Sherloc (09022015). Collection method: clinical testing. Allele origin: germline.
Comment: This sequence change creates a premature translational stop signal (p.Cys142Leufs*10) in the C9 gene. It is expected to result in an absent or disrupted protein product. Loss-of-function variants in C9 are known to be pathogenic (PMID: 9144525, 9570574). This variant is not present in population databases (gnomAD no frequency). This variant has not been reported in the literature in individuals affected with C9-related conditions. ClinVar contains an entry for this variant (Variation ID: 1924368). For these reasons, this variant has been classified as Pathogenic.

Literature cited by the submitters: PubMed 9144525; PubMed 9570574.

NM_001737.5(C9):c.423dup (p.Cys142fs)

Gene: C9 (complement C9; minus strand). Cytogenetic location: 5p13.1.
Variant type: Duplication.
Coding change: c.423dup on transcript NM_001737.5 (MANE Select); coding-DNA position 423, one base duplicated (C; older notation c.423dupC).
Protein change: p.Cys142fs; shifts the reading frame from cysteine 142.
Molecular consequence: frameshift variant.
Genome position (GRCh38, 1-based): chr5:39,341,199, G duplicated on the plus strand (C on the coding strand, the reverse complement: C9 is on the minus strand); the first of 6 consecutive G bases (chr5:39,341,199-39,341,204); duplicating any one gives the same sequence. VCF-style (leftmost placement, unchanged base first): chr5-39341198-A-AG. GRCh37 (hg19) VCF-style: chr5-39341300-A-AG.
Other names: short protein forms C142fs.
Identifiers: ClinVar variation 1924368 (VCV001924368.5), dbSNP rs1041610302, ClinGen allele CA117187341.